The following is an entry in ClinVar:

ClinVar aggregate classification (germline): Uncertain significance. Review status: criteria provided, multiple submitters, no conflicts (2 of 4 stars). 3 submissions from 3 submitters: Uncertain significance (3). Last evaluated 2026-02-25.

Conditions:
Malignant hyperthermia, susceptibility to, 1 (MHS1). Also called: Anesthesia related hyperthermia; Malignant hyperpyrexia; Fulminating hyperpyrexia; Pharmacogenic myopathy; RYR1-Related Malignant Hyperthermia Susceptibility; Malignant hyperthermia suceptibility 1. Identifiers: Orphanet 423, MedGen C2930980, MONDO:0007783, OMIM 145600.

gnomAD v4.1: 7 of 1,611,434 alleles (0.00043%); highest among the groups gnomAD compares: Non-Finnish European, 0.00051%; no homozygotes.

Submissions (3):

GeneDx
Classification: Uncertain significance. Last evaluated: 2026-02-25. Review status: criteria provided, single submitter. Criteria: GeneDx Variant Classification Process June 2021. Collection method: clinical testing. Allele origin: germline.
Comment: Reported in a patient with muscle pain and elevated plasma CK in the published literature who also had variants in other genes that may have been responsible for the phenotype (PMID: 30325262); In silico analysis suggests that this missense variant does not alter protein structure/function; Not observed at significant frequency in large population cohorts (gnomAD); This variant is associated with the following publications: (PMID: 30325262)

Color Diagnostics, LLC DBA Color Health
Classification: Uncertain significance for Malignant hyperthermia, susceptibility to, 1. Last evaluated: 2025-07-18. Review status: criteria provided, single submitter. Criteria: ACMG Guidelines, 2015. Collection method: clinical testing. Allele origin: germline.
Comment: This missense variant replaces proline with serine at codon 1402 of the RYR1 protein. Computational prediction is inconclusive regarding the impact of this variant on protein structure and function. To our knowledge, functional studies have not been reported for this variant. This variant has not been reported in individuals affected with autosomal dominant malignant hyperthermia in the literature. This variant has not been identified in the general population by the Genome Aggregation Database (gnomAD). The available evidence is insufficient to determine the role of this variant in disease conclusively. Therefore, this variant is classified as a Variant of Uncertain Significance.

Women's Health and Genetics/Laboratory Corporation of America, LabCorp
Classification: Uncertain significance. Last evaluated: 2025-04-11. Review status: criteria provided, single submitter. Criteria: LabCorp Variant Classification Summary - May 2015. Collection method: clinical testing. Allele origin: germline.
Comment: Variant summary: RYR1 c.4204C>T (p.Pro1402Ser) results in a non-conservative amino acid change in the encoded protein sequence. Three of five in-silico tools predict a damaging effect of the variant on protein function. The variant was absent in 245726 control chromosomes (gnomAD). The available data on variant occurrences in the general population are insufficient to allow any conclusion about variant significance. c.4204C>T has been observed in an individual affected with Myopathy, RYR1-Associated. This report does not provide unequivocal conclusions about association of the variant with Myopathy, RYR1-Associated. To our knowledge, no experimental evidence demonstrating an impact on protein function has been reported. The following publication has been ascertained in the context of this evaluation (PMID: 30325262). No submitters have cited clinical-significance assessments for this variant to ClinVar. Based on the evidence outlined above, the variant was classified as uncertain significance.

Literature cited by the submitters: PubMed 30325262 (cited by Women's Health and Genetics/Laboratory Corporation of America, LabCorp).

NM_000540.3(RYR1):c.4204C>T (p.Pro1402Ser)

Gene: RYR1 (ryanodine receptor 1; plus strand). Cytogenetic location: 19q13.2.
Variant type: single nucleotide variant.
Coding change: c.4204C>T on transcript NM_000540.3 (MANE Select); coding-DNA position 4204, C replaced by T.
Protein change: p.Pro1402Ser; replaces proline 1402 with serine.
Molecular consequence: missense variant.
Genome position (GRCh38, 1-based): chr19:38,475,361, C>T. VCF-style: chr19-38475361-C-T. GRCh37 (hg19) VCF-style: chr19-38966001-C-T.
Other names: c.4204C>T, p.Pro1402Ser (NM_001042723.2); short protein forms P1402S.
Identifiers: ClinVar variation 3896315 (VCV003896315.4).